The following is an entry in ClinVar:

ClinVar aggregate classification (germline): Uncertain significance. Review status: criteria provided, multiple submitters, no conflicts (2 of 4 stars). 2 submissions from 2 submitters: Uncertain significance (2). Last evaluated 2024-10-20.

Conditions:
Inborn genetic diseases. Identifiers: MedGen C0950123, MeSH D030342.
Autosomal recessive early-onset Parkinson disease 6 (PARK6). Also called: PINK1 Type of Young-Onset Parkinson Disease; PARKINSON DISEASE 6, MODIFIER OF; PINK1-Related Parkinson Disease; PARKINSON DISEASE 6, EARLY-ONSET. Identifiers: Orphanet 2828, MedGen C1853833, MONDO:0011613, OMIM 605909.

Allele frequency attached by ClinVar (database versions not stated): ExAC 0.00004; gnomAD exomes 0.00004; TOPMed 0.00006; gnomAD 0.00007 and 0.00008; ESP Exome Variant Server 0.00015; 1000 Genomes Project 30x 0.00031.
gnomAD v4.1: 45 of 1,614,036 alleles (0.0028%); highest among the groups gnomAD compares: South Asian, 0.015%; no homozygotes.

Submissions (2):

Ambry Genetics
Classification: Uncertain significance for Inborn genetic diseases. Last evaluated: 2024-10-20. Review status: criteria provided, single submitter. Criteria: Ambry Variant Classification Scheme 2023. Collection method: clinical testing. Allele origin: germline.

Labcorp Genetics (formerly Invitae), Labcorp
Classification: Uncertain significance for Autosomal recessive early-onset Parkinson disease 6. Last evaluated: 2021-11-17. Review status: criteria provided, single submitter. Criteria: Invitae Variant Classification Sherloc (09022015). Collection method: clinical testing. Allele origin: germline.
Comment: In summary, the available evidence is currently insufficient to determine the role of this variant in disease. Therefore, it has been classified as a Variant of Uncertain Significance. Algorithms developed to predict the effect of missense changes on protein structure and function are either unavailable or do not agree on the potential impact of this missense change (SIFT: "Tolerated"; PolyPhen-2: "Probably Damaging"; Align-GVGD: "Class C0"). This variant has not been reported in the literature in individuals affected with PINK1-related conditions. This variant is present in population databases (rs143620063, gnomAD 0.02%). This sequence change replaces arginine, which is basic and polar, with glutamine, which is neutral and polar, at codon 492 of the PINK1 protein (p.Arg492Gln).

NM_032409.3(PINK1):c.1475G>A (p.Arg492Gln)

Genes: PINK1 (PTEN induced kinase 1; plus strand), PINK1-AS (PINK1 antisense RNA; minus strand). Cytogenetic location: 1p36.12.
Variant type: single nucleotide variant.
Coding change: c.1475G>A on transcript NM_032409.3 (MANE Select); coding-DNA position 1475, G replaced by A.
Protein change: p.Arg492Gln; replaces arginine 492 with glutamine.
Molecular consequence: missense variant. On other transcripts: non-coding transcript variant (1).
Genome position (GRCh38, 1-based): chr1:20,649,218, G>A. VCF-style: chr1-20649218-G-A. GRCh37 (hg19) VCF-style: chr1-20975711-G-A.
Other names: c.1475G>A (NM_032409.2); short protein forms R492Q.
Identifiers: ClinVar variation 1432306 (VCV001432306.6), dbSNP rs143620063, ClinGen allele CA660832.